The following is an entry in ClinVar:

ClinVar aggregate classification (germline): Likely benign (1 of 4 stars; one submission).

Allele frequency attached by ClinVar (database versions not stated): gnomAD exomes 0.00066 and 0.00183; ExAC 0.00209; gnomAD 0.00687 and 0.00730; TOPMed 0.00781; ESP Exome Variant Server 0.00786; 1000 Genomes Project 0.00799; 1000 Genomes Project 30x 0.00828.
gnomAD v4.1: 2,045 of 1,613,806 alleles (0.13%); highest among the groups gnomAD compares: African/African-American, 2.4%; 20 homozygotes.

Submission:

GeneDx
Classification: Likely benign. Last evaluated: 2018-06-13. Review status: criteria provided, single submitter. Criteria: GeneDx Variant Classification (06012015). Collection method: clinical testing. Allele origin: germline. Affected: yes.
Comment: This variant is considered likely benign or benign based on one or more of the following criteria: it is a conservative change, it occurs at a poorly conserved position in the protein, it is predicted to be benign by multiple in silico algorithms, and/or has population frequency not consistent with disease.

NM_016239.4(MYO15A):c.8460-29G>C

Gene: MYO15A (myosin XVA; plus strand). Cytogenetic location: 17p11.2.
Variant type: single nucleotide variant.
Coding change: c.8460-29G>C on transcript NM_016239.4 (MANE Select); 29 bases into the intron before coding-DNA position 8460, G replaced by C.
Molecular consequence: intron variant.
Genome position (GRCh38, 1-based): chr17:18,156,166, G>C. VCF-style: chr17-18156166-G-C. GRCh37 (hg19) VCF-style: chr17-18059480-G-C.
Identifiers: ClinVar variation 668262 (VCV000668262.1), dbSNP rs115796006, ClinGen allele CA8425178.